The following is an entry in ClinVar:

ClinVar aggregate classification (germline): Uncertain significance. Review status: criteria provided, multiple submitters, no conflicts (2 of 4 stars). 4 submissions from 4 submitters: Uncertain significance (4). Last evaluated 2026-06-24.

Conditions:
Hereditary cancer-predisposing syndrome. Also called: Hereditary neoplastic syndrome; Neoplastic Syndromes, Hereditary; Tumor predisposition; Hereditary Cancer Syndrome. Identifiers: Orphanet 140162, MedGen C0027672, MeSH D009386, MONDO:0015356.
Multiple endocrine neoplasia, type 1 (MEN1). Also called: MEN I; WERMER SYNDROME; Endocrine adenomatosis multiple; MEN 1; MEA I. Identifiers: Orphanet 652, MedGen C0025267, MeSH D018761, MONDO:0007540, OMIM 131100.

Allele frequency attached by ClinVar (database versions not stated): gnomAD exomes below 0.00001.
gnomAD v4.1: 1 of 1,614,128 alleles (0.000062%); highest among the groups gnomAD compares: Non-Finnish European, 0.000085%; no homozygotes.

Submissions (4):

Ambry Genetics
Classification: Uncertain significance for Hereditary cancer-predisposing syndrome. Last evaluated: 2026-06-24. Review status: criteria provided, single submitter. Criteria: Ambry Variant Classification Scheme 2023. Collection method: clinical testing. Allele origin: germline.
Comment: The p.D597A variant (also known as c.1790A>C), located in coding exon 9 of the MEN1 gene, results from an A to C substitution at nucleotide position 1790. The aspartic acid at codon 597 is replaced by alanine, an amino acid with dissimilar properties. This amino acid position is highly conserved in available vertebrate species. In addition, this alteration is predicted to be deleterious by in silico analysis. Based on the available evidence, the clinical significance of this variant remains unclear.

Dasa
Classification: Uncertain significance for Multiple endocrine neoplasia, type 1. Last evaluated: 2025-03-10. Review status: criteria provided, single submitter. Criteria: DASA Assertion Criteria. Collection method: clinical testing. Allele origin: germline.
Comment: NM_001370259.2(MEN1):c.1790A>C (p.Asp597Ala) is a missense variant that results in the substitution of aspartic acid with alanine. This variant is rare in population databases. Computational prediction algorithms are consistent with a deleterious effect. The currently available literature and clinical evidence are not sufficient to establish a definitive association between this variant and the reported condition. Therefore, this variant is classified as a variant of uncertain significance.

All of Us Research Program, National Institutes of Health
Classification: Uncertain significance for Multiple endocrine neoplasia, type 1. Last evaluated: 2024-02-05. Review status: criteria provided, single submitter. Criteria: ACMG Guidelines, 2015. Collection method: clinical testing. Allele origin: germline. Inheritance: Autosomal dominant inheritance. Observed: 2 variant alleles, 2 heterozygotes.
Comment: This missense variant replaces aspartic acid with alanine at codon 597 of the MEN1 protein. Computational prediction suggests that this variant may have deleterious impact on protein structure and function (internally defined REVEL score threshold >= 0.7, PMID: 27666373). To our knowledge, functional studies have not been reported for this variant. This variant has not been reported in individuals affected with MEN1-related disorders in the literature. This variant has not been identified in the general population by the Genome Aggregation Database (gnomAD). The available evidence is insufficient to determine the role of this variant in disease conclusively. Therefore, this variant is classified as a Variant of Uncertain Significance.

This study involves interpretation of variants in research participants for the purpose of population health screening. Participant phenotype was not available at the time of variant classification. Additional details can be found in publication PMID: 35346344, PMCID: PMC8962531

Labcorp Genetics (formerly Invitae), Labcorp
Classification: Uncertain significance for Multiple endocrine neoplasia, type 1. Last evaluated: 2024-01-18. Review status: criteria provided, single submitter. Criteria: Invitae Variant Classification Sherloc (09022015). Collection method: clinical testing. Allele origin: germline.
Comment: This sequence change replaces aspartic acid, which is acidic and polar, with alanine, which is neutral and non-polar, at codon 597 of the MEN1 protein (p.Asp597Ala). This variant is not present in population databases (gnomAD no frequency). This variant has not been reported in the literature in individuals affected with MEN1-related conditions. ClinVar contains an entry for this variant (Variation ID: 1897053). Advanced modeling of protein sequence and biophysical properties (such as structural, functional, and spatial information, amino acid conservation, physicochemical variation, residue mobility, and thermodynamic stability) performed at Invitae indicates that this missense variant is expected to disrupt MEN1 protein function with a positive predictive value of 95%. In summary, the available evidence is currently insufficient to determine the role of this variant in disease. Therefore, it has been classified as a Variant of Uncertain Significance.

NM_001370259.2(MEN1):c.1790A>C (p.Asp597Ala)

Gene: MEN1 (menin 1; minus strand). Cytogenetic location: 11q13.1.
Variant type: single nucleotide variant.
Coding change: c.1790A>C on transcript NM_001370259.2 (MANE Select); coding-DNA position 1790, A replaced by C.
Protein change: p.Asp597Ala; replaces aspartic acid 597 with alanine.
Molecular consequence: missense variant.
Genome position (GRCh38, 1-based): chr11:64,804,377, T>G on the plus strand (A>C on the coding strand, the complement: MEN1 is on the minus strand). VCF-style: chr11-64804377-T-G. GRCh37 (hg19) VCF-style: chr11-64571849-T-G.
Other names: c.1805A>C, p.Asp602Ala (NM_000244.4, NM_001407145.1, NM_130800.3 and 4 more transcripts); c.1916A>C, p.Asp639Ala (NM_001370251.2, NM_001407142.1, NM_001407143.1 and 1 more transcripts); c.1790A>C, p.Asp597Ala (NM_001370260.2, NM_001370261.2, NM_001407146.1 and 2 more transcripts); c.1685A>C, p.Asp562Ala (NM_001370262.2, NM_001370263.2, NM_001407148.1 and 1 more transcripts); c.1931A>C, p.Asp644Ala (NM_001407150.1); c.1811A>C, p.Asp604Ala (NM_001407151.1); c.1625A>C, p.Asp542Ala (NM_001407152.1); short protein forms D562A, D604A, D602A, D639A, D542A, D597A, D644A.
Identifiers: ClinVar variation 1897053 (VCV001897053.9), dbSNP rs2497099919, ClinGen allele CA381177268.